The following is an entry in ClinVar:

ClinVar aggregate classification (germline): Uncertain significance (1 of 4 stars; one submission).

Submission:

Ambry Genetics
Classification: Uncertain significance. Last evaluated: 2022-11-25. Review status: criteria provided, single submitter. Criteria: Ambry Variant Classification Scheme 2023. Collection method: clinical testing. Allele origin: germline.
Comment: The p.I411S variant (also known as c.1232T>G), located in coding exon 4 of the PALLD gene, results from a T to G substitution at nucleotide position 1232. The isoleucine at codon 411 is replaced by serine, an amino acid with dissimilar properties. This amino acid position is conserved. In addition, this alteration is predicted to be deleterious by in silico analysis. Since supporting evidence is limited at this time, the clinical significance of this alteration remains unclear.

NM_001166108.2(PALLD):c.1232T>G (p.Ile411Ser)

Gene: PALLD (palladin, cytoskeletal associated protein; plus strand). Cytogenetic location: 4q32.3.
Variant type: single nucleotide variant.
Coding change: c.1232T>G on transcript NM_001166108.2 (MANE Select); coding-DNA position 1232, T replaced by G.
Protein change: p.Ile411Ser; replaces isoleucine 411 with serine.
Molecular consequence: missense variant.
Genome position (GRCh38, 1-based): chr4:168,683,075, T>G. VCF-style: chr4-168683075-T-G. GRCh37 (hg19) VCF-style: chr4-169604226-T-G.
Other names: c.86T>G, p.Ile29Ser (NM_001166109.2); c.1232T>G, p.Ile411Ser (NM_016081.4); short protein forms I411S, I29S.
Identifiers: ClinVar variation 2497001 (VCV002497001.2), dbSNP rs2531591241, ClinGen allele CA358794305.